The following is an entry in ClinVar:

ClinVar aggregate classification (germline): Uncertain significance (1 of 4 stars; one submission).

Conditions:
Nephronophthisis. Also called: Juvenile Nephronophthisis. Identifiers: Orphanet 655, MedGen C0687120, MONDO:0019005, HP:0000090.

Submission:

Labcorp Genetics (formerly Invitae), Labcorp
Classification: Uncertain significance for Nephronophthisis. Last evaluated: 2022-02-19. Review status: criteria provided, single submitter. Criteria: Invitae Variant Classification Sherloc (09022015). Collection method: clinical testing. Allele origin: germline.
Comment: This sequence change affects codon 696 of the INVS mRNA. It is a 'silent' change, meaning that it does not change the encoded amino acid sequence of the INVS protein. In summary, the available evidence is currently insufficient to determine the role of this variant in disease. Therefore, it has been classified as a Variant of Uncertain Significance. Algorithms developed to predict the effect of sequence changes on RNA splicing suggest that this variant may disrupt the consensus splice site. This variant has not been reported in the literature in individuals affected with INVS-related conditions. This variant is not present in population databases (gnomAD no frequency).

NM_014425.5(INVS):c.2088T>C (p.Ser696=)

Gene: INVS (inversin; plus strand). Cytogenetic location: 9q31.1.
Variant type: single nucleotide variant.
Coding change: c.2088T>C on transcript NM_014425.5 (MANE Select); coding-DNA position 2088, T replaced by C.
Protein change: p.Ser696=; no amino-acid change (serine 696 retained).
Molecular consequence: synonymous variant.
Genome position (GRCh38, 1-based): chr9:100,292,345, T>C. VCF-style: chr9-100292345-T-C. GRCh37 (hg19) VCF-style: chr9-103054627-T-C.
Other names: c.1800T>C, p.Ser600= (NM_001318381.2); c.1110T>C, p.Ser370= (NM_001318382.2).
Identifiers: ClinVar variation 2096684 (VCV002096684.4), dbSNP rs2490114345, ClinGen allele CA466649113.